The following is an entry in ClinVar:

ClinVar aggregate classification (germline): Uncertain significance (1 of 4 stars; one submission).

Submission:

GeneDx
Classification: Uncertain significance. Last evaluated: 2022-06-27. Review status: criteria provided, single submitter. Criteria: GeneDx Variant Classification Process June 2021. Collection method: clinical testing. Allele origin: germline. Affected: yes.
Comment: Not observed at significant frequency in large population cohorts (gnomAD); In silico analysis supports that this missense variant has a deleterious effect on protein structure/function; Has not been previously published as pathogenic or benign to our knowledge

NM_001128840.3(CACNA1D):c.5759G>T (p.Arg1920Ile)

Gene: CACNA1D (calcium voltage-gated channel subunit alpha1 D; plus strand). Cytogenetic location: 3p21.1.
Variant type: single nucleotide variant.
Coding change: c.5759G>T on transcript NM_001128840.3 (MANE Select); coding-DNA position 5759, G replaced by T.
Protein change: p.Arg1920Ile; replaces arginine 1920 with isoleucine.
Molecular consequence: missense variant.
Genome position (GRCh38, 1-based): chr3:53,808,658, G>T. VCF-style: chr3-53808658-G-T. GRCh37 (hg19) VCF-style: chr3-53842685-G-T.
Other names: c.5819G>T, p.Arg1940Ile (NM_000720.4); c.5687G>T, p.Arg1896Ile (NM_001128839.3); short protein forms R1896I, R1920I, R1940I.
Identifiers: ClinVar variation 1695533 (VCV001695533.2), dbSNP rs765406325, ClinGen allele CA353255881.